The following is an entry in ClinVar:

NM_001165963.4(SCN1A):c.4002+2008C>T

Genes: SCN1A (sodium voltage-gated channel alpha subunit 1; minus strand), LOC102724058 (uncharacterized LOC102724058; plus strand). Cytogenetic location: 2q24.3.
Variant type: single nucleotide variant.
Coding change: c.4002+2008C>T on transcript NM_001165963.4 (MANE Select); 2008 bases into the intron after coding-DNA position 4002, C replaced by T.
Molecular consequence: intron variant.
Genome position (GRCh38, 1-based): chr2:166,007,711, G>A on the plus strand (C>T on the coding strand, the complement: SCN1A is on the minus strand). VCF-style: chr2-166007711-G-A. GRCh37 (hg19) VCF-style: chr2-166864221-G-A.
Other names: c.3969+2008C>T (NM_001353949.2, NM_001353950.2, NM_001353951.2 and 2 more transcripts); c.3918+2008C>T (NM_001353958.2, NM_001353957.2, NM_001165964.3); c.4002+2008C>T (NM_001202435.3, NM_001353948.2); c.3966+2008C>T (NM_001353955.2, NM_001353954.2); c.3915+2008C>T (NM_001353960.2); c.1560+2008C>T (NM_001353961.2).
Identifiers: ClinVar variation 2973097 (VCV002973097.3), dbSNP rs1394084278, ClinGen allele CA537134274.

ClinVar aggregate classification (germline): Uncertain significance (1 of 4 stars; one submission).

Conditions:
Early-infantile DEE. Also called: Ohtahara syndrome; Early infantile epileptic encephalopathy with suppression bursts; Early infantile epileptic encephalopathy. Identifiers: Orphanet 1934, MedGen C0393706, MONDO:0800491.

Allele frequency attached by ClinVar (database versions not stated): gnomAD 0.00004.
gnomAD v4.1: 6 of 151,288 alleles (0.004%); highest among the groups gnomAD compares: Non-Finnish European, 0.0015%; no homozygotes.

Submission:

Labcorp Genetics (formerly Invitae), Labcorp
Classification: Uncertain significance for Early-infantile DEE. Last evaluated: 2024-10-20. Review status: criteria provided, single submitter. Criteria: Invitae Variant Classification Sherloc (09022015). Collection method: clinical testing. Allele origin: germline.
Comment: This sequence change falls in intron 20 of the SCN1A gene. It does not directly change the encoded amino acid sequence of the SCN1A protein. However, this sequence change falls within a region encompassing a cryptic exon in the SCN1A gene, in which variants have been shown to alter splicing (PMID: 30526861, 34107977). This variant is present in population databases (no rsID available, gnomAD 0.09%). This variant has not been reported in the literature in individuals affected with SCN1A-related conditions. Algorithms developed to predict the effect of sequence changes on RNA splicing suggest that this variant is not likely to affect RNA splicing. In summary, the available evidence is currently insufficient to determine the role of this variant in disease. Therefore, it has been classified as a Variant of Uncertain Significance.

Literature cited by the submitters: PubMed 30526861; PubMed 34107977.